The following is an entry in ClinVar:

ClinVar aggregate classification (germline): Uncertain significance (1 of 4 stars; one submission).

Submission:

GeneDx
Classification: Uncertain significance. Last evaluated: 2024-05-11. Review status: criteria provided, single submitter. Criteria: GeneDx Variant Classification Process June 2021. Collection method: clinical testing. Allele origin: germline. Affected: yes.
Comment: Not observed at significant frequency in large population cohorts (gnomAD); In-frame deletion of 2 amino acids and insertion of 2 incorrect amino acids in a non-repeat region; In silico analysis supports a deleterious effect on protein structure/function; Has not been previously published as pathogenic or benign to our knowledge

NM_000884.3(IMPDH2):c.854_856inv (p.Asn285_Met286delinsIleLeu)

Gene: IMPDH2 (inosine monophosphate dehydrogenase 2; minus strand). Cytogenetic location: 3p21.31.
Variant type: Inversion.
Coding change: c.854_856inv on transcript NM_000884.3 (MANE Select).
Protein change: p.Asn285_Met286delinsIleLeu.
Molecular consequence: missense variant.
Genome position: GRCh38 VCF-style: chr3-49026573-TAT-ATA. GRCh37 (hg19) VCF-style: chr3-49064006-TAT-ATA.
Other names: c.854_856inv, p.Asn285_Met286delinsIleLeu (NM_001410759.1); c.779_781inv, p.Asn260_Met261delinsIleLeu (NM_001410760.1, NM_001410761.1).
Identifiers: ClinVar variation 3375782 (VCV003375782.1).